The following is an entry in ClinVar:

ClinVar aggregate classification (germline): Uncertain significance. Review status: criteria provided, multiple submitters, no conflicts (2 of 4 stars). 2 submissions from 2 submitters: Uncertain significance (2). Last evaluated 2025-06-18.

Conditions:
Melanoma, cutaneous malignant, susceptibility to, 5. Also called: Cutaneous malignant melanoma 5. Identifiers: Orphanet 618, MedGen C2751295, MONDO:0013133, OMIM 613099.

Allele frequency attached by ClinVar (database versions not stated): TOPMed 0.00005.
gnomAD v4.1: 41 of 1,607,474 alleles (0.0026%); highest among the groups gnomAD compares: Middle Eastern, 0.016%; no homozygotes.

Submissions (2):

Labcorp Genetics (formerly Invitae), Labcorp
Classification: Uncertain significance for Melanoma, cutaneous malignant, susceptibility to, 5. Last evaluated: 2025-06-18. Review status: criteria provided, single submitter. Criteria: Invitae Variant Classification Sherloc (09022015). Collection method: clinical testing. Allele origin: germline.
Comment: This sequence change replaces aspartic acid, which is acidic and polar, with histidine, which is basic and polar, at codon 184 of the MC1R protein (p.Asp184His). This variant is present in population databases (rs530102853, gnomAD 0.007%). This missense change has been observed in individual(s) with chronic sun-induced melanoma (PMID: 16809487). ClinVar contains an entry for this variant (Variation ID: 570562). Invitae Evidence Modeling of protein sequence and biophysical properties (such as structural, functional, and spatial information, amino acid conservation, physicochemical variation, residue mobility, and thermodynamic stability) indicates that this missense variant is not expected to disrupt MC1R protein function with a negative predictive value of 80%. In summary, the available evidence is currently insufficient to determine the role of this variant in disease. Therefore, it has been classified as a Variant of Uncertain Significance.

CeGaT Center for Human Genetics Tuebingen
Classification: Uncertain significance. Last evaluated: 2021-12-01. Review status: criteria provided, single submitter. Criteria: CeGaT Center For Human Genetics Tuebingen Variant Classification Criteria Version 2. Collection method: clinical testing. Allele origin: germline. Affected: yes. Observed: 1 variant allele.

Literature cited by the submitters: PubMed 16809487 (cited by Labcorp Genetics (formerly Invitae), Labcorp).

NM_002386.4(MC1R):c.550G>C (p.Asp184His)

Gene: MC1R (melanocortin 1 receptor; plus strand). Cytogenetic location: 16q24.3.
Variant type: single nucleotide variant.
Coding change: c.550G>C on transcript NM_002386.4 (MANE Select); coding-DNA position 550, G replaced by C.
Protein change: p.Asp184His; replaces aspartic acid 184 with histidine.
Molecular consequence: missense variant.
Genome position (GRCh38, 1-based): chr16:89,919,808, G>C. VCF-style: chr16-89919808-G-C. GRCh37 (hg19) VCF-style: chr16-89986216-G-C.
Other names: short protein forms D184H.
Identifiers: ClinVar variation 570562 (VCV000570562.45), dbSNP rs530102853, ClinGen allele CA8255657.